The following is an entry in ClinVar:

ClinVar aggregate classification (germline): Uncertain significance. Review status: criteria provided, multiple submitters, no conflicts (2 of 4 stars). 2 submissions from 2 submitters: Uncertain significance (2). Last evaluated 2024-03-31.

Conditions:
Hereditary spastic paraplegia 48. Also called: Spastic paraplegia 48; SPASTIC PARAPLEGIA 48, AUTOSOMAL RECESSIVE. Identifiers: Orphanet 306511, MedGen C3150901, MONDO:0013342, OMIM 613647.
Inborn genetic diseases. Identifiers: MedGen C0950123, MeSH D030342.

Allele frequency attached by ClinVar (database versions not stated): TOPMed below 0.00001; gnomAD 0.00001; gnomAD exomes 0.00002 and 0.00004; ExAC 0.00005.
gnomAD v4.1: 40 of 1,612,832 alleles (0.0025%); highest among the groups gnomAD compares: South Asian, 0.026%; no homozygotes.

Submissions (2):

Labcorp Genetics (formerly Invitae), Labcorp
Classification: Uncertain significance for Hereditary spastic paraplegia 48. Last evaluated: 2024-03-31. Review status: criteria provided, single submitter. Criteria: Invitae Variant Classification Sherloc (09022015). Collection method: clinical testing. Allele origin: germline.
Comment: This sequence change replaces valine, which is neutral and non-polar, with isoleucine, which is neutral and non-polar, at codon 160 of the AP5Z1 protein (p.Val160Ile). This variant is present in population databases (rs752115827, gnomAD 0.02%). This variant has not been reported in the literature in individuals affected with AP5Z1-related conditions. ClinVar contains an entry for this variant (Variation ID: 1038820). Advanced modeling of protein sequence and biophysical properties (such as structural, functional, and spatial information, amino acid conservation, physicochemical variation, residue mobility, and thermodynamic stability) performed at Invitae indicates that this missense variant is not expected to disrupt AP5Z1 protein function with a negative predictive value of 80%. In summary, the available evidence is currently insufficient to determine the role of this variant in disease. Therefore, it has been classified as a Variant of Uncertain Significance.

Ambry Genetics
Classification: Uncertain significance for Inborn genetic diseases. Last evaluated: 2023-03-24. Review status: criteria provided, single submitter. Criteria: Ambry Variant Classification Scheme 2023. Collection method: clinical testing. Allele origin: germline.

NM_014855.3(AP5Z1):c.478G>A (p.Val160Ile)

Gene: AP5Z1 (adaptor related protein complex 5 subunit zeta 1; plus strand). Cytogenetic location: 7p22.1.
Variant type: single nucleotide variant.
Coding change: c.478G>A on transcript NM_014855.3 (MANE Select); coding-DNA position 478, G replaced by A.
Protein change: p.Val160Ile; replaces valine 160 with isoleucine.
Molecular consequence: missense variant. On other transcripts: non-coding transcript variant (1).
Genome position (GRCh38, 1-based): chr7:4,783,427, G>A. VCF-style: chr7-4783427-G-A. GRCh37 (hg19) VCF-style: chr7-4823058-G-A.
Other names: c.478G>A (NM_014855.2); c.10G>A, p.Val4Ile (NM_001364858.1); short protein forms V160I, V4I.
Identifiers: ClinVar variation 1038820 (VCV001038820.9), dbSNP rs752115827, ClinGen allele CA4137221.